The following is an entry in ClinVar:

NM_001164508.2(NEB):c.2477C>T (p.Ala826Val)

Gene: NEB (nebulin; minus strand). Cytogenetic location: 2q23.3.
Variant type: single nucleotide variant.
Coding change: c.2477C>T on transcript NM_001164508.2 (MANE Select); coding-DNA position 2477, C replaced by T.
Protein change: p.Ala826Val; replaces alanine 826 with valine.
Molecular consequence: missense variant.
Genome position (GRCh38, 1-based): chr2:151,687,672, G>A on the plus strand (C>T on the coding strand, the complement: NEB is on the minus strand). VCF-style: chr2-151687672-G-A. GRCh37 (hg19) VCF-style: chr2-152544186-G-A.
Other names: c.2477C>T, p.Ala826Val (NM_001164507.2, NM_001271208.2, NM_004543.5); short protein forms A826V.
Identifiers: ClinVar variation 2176696 (VCV002176696.1), dbSNP rs2148958564, ClinGen allele CA348822887.
Genomic context (GRCh38, chr2:151,687,672, plus strand): 5'-CAGGCCACACTCACATCGCTGGTGTTCTTGGTGTTGGCTTTGGCTGCCAACAGGGGAATG[G>A]CGTCCACTTTAATGTCAAACTTCTTGGCTTTGCTCTTCTCCCAGTCTTGCTTATAAACAT-3'
Protein context (NP_001157980.2, residues 816-836): KAKKFDIKVD[Ala826Val]IPLLAAKANT

ClinVar aggregate classification (germline): Uncertain significance (1 of 4 stars; one submission).

Conditions:
Nemaline myopathy 2 (NEM2). Also called: Nemaline myopathy 2, autosomal recessive. Identifiers: MedGen C1850569, MONDO:0009725, OMIM 256030.

Submission:

Labcorp Genetics (formerly Invitae), Labcorp
Classification: Uncertain significance for Nemaline myopathy 2. Last evaluated: 2022-04-06. Review status: criteria provided, single submitter. Criteria: Invitae Variant Classification Sherloc (09022015). Collection method: clinical testing. Allele origin: germline.
Comment: This sequence change replaces alanine, which is neutral and non-polar, with valine, which is neutral and non-polar, at codon 826 of the NEB protein (p.Ala826Val). This variant is not present in population databases (gnomAD no frequency). This variant has not been reported in the literature in individuals affected with NEB-related conditions. Algorithms developed to predict the effect of missense changes on protein structure and function are either unavailable or do not agree on the potential impact of this missense change (SIFT: "Deleterious"; PolyPhen-2: "Not Available"; Align-GVGD: "Class C0"). In summary, the available evidence is currently insufficient to determine the role of this variant in disease. Therefore, it has been classified as a Variant of Uncertain Significance.